The following is an entry in ClinVar:

NM_001943.5(DSG2):c.1900A>C (p.Met634Leu)

Gene: DSG2 (desmoglein 2; plus strand). Cytogenetic location: 18q12.1.
Variant type: single nucleotide variant.
Coding change: c.1900A>C on transcript NM_001943.5 (MANE Select); coding-DNA position 1900, A replaced by C.
Protein change: p.Met634Leu; replaces methionine 634 with leucine.
Molecular consequence: missense variant.
Genome position (GRCh38, 1-based): chr18:31,541,213, A>C. VCF-style: chr18-31541213-A-C. GRCh37 (hg19) VCF-style: chr18-29121176-A-C.
Other names: short protein forms M634L.
Identifiers: ClinVar variation 2476263 (VCV002476263.3), dbSNP rs2510919947, ClinGen allele CA402139145.

ClinVar aggregate classification (germline): Uncertain significance (1 of 4 stars; one submission).

Conditions:
Cardiovascular phenotype. Identifiers: MedGen CN230736.

Submission:

Ambry Genetics
Classification: Uncertain significance for Cardiovascular phenotype. Last evaluated: 2026-09-11. Review status: criteria provided, single submitter. Criteria: Ambry Variant Classification Scheme 2023. Collection method: clinical testing. Allele origin: germline.
Comment: The p.M634L variant (also known as c.1900A>C), located in coding exon 13 of the DSG2 gene, results from an A to C substitution at nucleotide position 1900. The methionine at codon 634 is replaced by leucine, an amino acid with highly similar properties. This amino acid position is conserved. In addition, this alteration is predicted to be tolerated by in silico analysis. Based on the available evidence, the clinical significance of this variant remains unclear.